The following is an entry in ClinVar:

NM_002439.5(MSH3):c.880G>T (p.Val294Leu)

Gene: MSH3 (mutS homolog 3; plus strand). Cytogenetic location: 5q14.1.
Variant type: single nucleotide variant.
Coding change: c.880G>T on transcript NM_002439.5 (MANE Select); coding-DNA position 880, G replaced by T.
Protein change: p.Val294Leu; replaces valine 294 with leucine.
Molecular consequence: missense variant.
Genome position (GRCh38, 1-based): chr5:80,672,331, G>T. VCF-style: chr5-80672331-G-T. GRCh37 (hg19) VCF-style: chr5-79968150-G-T.
Other names: c.880G>T (NM_002439.3); short protein forms V294L.
Identifiers: ClinVar variation 3013449 (VCV003013449.4), dbSNP rs2112813851, ClinGen allele CA360267243.
Genomic context (GRCh38, chr5:80,672,331, plus strand): 5'-TGCCATTTAGATCACAACTTTATGACAGCAAGTATACCTACTCACAGACTGTTTGTTCAT[G>T]TACGCCGCCTGGTGGCAAAAGGATATAAGGTCAGCTTTGGCTTTAACTTGTGGGGAAAGG-3'
Protein context (NP_002430.3, residues 284-304): SIPTHRLFVH[Val294Leu]RRLVAKGYKV

ClinVar aggregate classification (germline): Uncertain significance. Review status: criteria provided, multiple submitters, no conflicts (2 of 4 stars). 2 submissions from 2 submitters: Uncertain significance (2). Last evaluated 2024-09-21.

Conditions:
Hereditary cancer-predisposing syndrome. Also called: Neoplastic Syndromes, Hereditary; Tumor predisposition; Hereditary neoplastic syndrome; Hereditary Cancer Syndrome. Identifiers: Orphanet 140162, MedGen C0027672, MeSH D009386, MONDO:0015356.

gnomAD v4.1: 1 of 1,613,842 alleles (0.000062%); highest among the groups gnomAD compares: Non-Finnish European, 0.000085%; no homozygotes.

Submissions (2):

Ambry Genetics
Classification: Uncertain significance for Hereditary cancer-predisposing syndrome. Last evaluated: 2024-09-21. Review status: criteria provided, single submitter. Criteria: Ambry Variant Classification Scheme 2023. Collection method: clinical testing. Allele origin: germline.
Comment: The p.V294L variant (also known as c.880G>T), located in coding exon 5 of the MSH3 gene, results from a G to T substitution at nucleotide position 880. The valine at codon 294 is replaced by leucine, an amino acid with highly similar properties. This amino acid position is conserved. In addition, this alteration is predicted to be deleterious by in silico analysis. Based on the available evidence, the clinical significance of this variant remains unclear.

Labcorp Genetics (formerly Invitae), Labcorp
Classification: Uncertain significance. Last evaluated: 2023-06-05. Review status: criteria provided, single submitter. Criteria: Invitae Variant Classification Sherloc (09022015). Collection method: clinical testing. Allele origin: germline.
Comment: In summary, the available evidence is currently insufficient to determine the role of this variant in disease. Therefore, it has been classified as a Variant of Uncertain Significance. This sequence change replaces valine, which is neutral and non-polar, with leucine, which is neutral and non-polar, at codon 294 of the MSH3 protein (p.Val294Leu). This variant is not present in population databases (gnomAD no frequency). This variant has not been reported in the literature in individuals affected with MSH3-related conditions. An algorithm developed to predict the effect of missense changes on protein structure and function (PolyPhen-2) suggests that this variant is likely to be disruptive.